The following is an entry in ClinVar:

ClinVar aggregate classification (germline): Benign. Review status: criteria provided, multiple submitters, no conflicts (2 of 4 stars). 3 submissions from 3 submitters: Benign (2). 1 of the submissions does not count toward it. Last evaluated 2026-01-25.

Conditions:
WDR36-related disorder. Also called: WDR36-related condition.

Submissions (3):

Labcorp Genetics (formerly Invitae), Labcorp
Classification: Benign. Last evaluated: 2026-01-25. Review status: criteria provided, single submitter. Criteria: Invitae Variant Classification Sherloc (09022015). Collection method: clinical testing. Allele origin: germline.

GeneDx
Classification: Benign. Last evaluated: 2019-09-25. Review status: criteria provided, single submitter. Criteria: GeneDx Variant Classification Process June 2021. Collection method: clinical testing. Allele origin: germline. Affected: yes.

PreventionGenetics, part of Exact Sciences
Classification: Benign for WDR36-related condition. Last evaluated: 2020-01-06. Review status: no assertion criteria provided. Collection method: clinical testing. Allele origin: germline. Not counted in ClinVar's aggregate classification.
Comment: This variant is classified as benign based on ACMG/AMP sequence variant interpretation guidelines (Richards et al. 2015 PMID: 25741868, with internal and published modifications).

NM_139281.3(WDR36):c.163-7dup

Gene: WDR36 (WD repeat domain 36; plus strand). Cytogenetic location: 5q22.1.
Variant type: Duplication.
Coding change: c.163-7dup on transcript NM_139281.3 (MANE Select); 7 bases into the intron before coding-DNA position 163, one base duplicated (T; older notation c.163-7dupT).
Molecular consequence: intron variant.
Genome position (GRCh38, 1-based): chr5:111,094,913, T duplicated; the last of 6 consecutive T bases (chr5:111,094,908-111,094,913); duplicating any one gives the same sequence. VCF-style (leftmost placement, unchanged base first): chr5-111094907-C-CT. GRCh37 (hg19) VCF-style: chr5-110430605-C-CT.
Identifiers: ClinVar variation 350301 (VCV000350301.15), dbSNP rs201659734, ClinGen allele CA3365178.